The following is an entry in ClinVar:

NM_032436.4(CHAMP1):c.-54A>G

Gene: CHAMP1 (chromosome alignment maintaining phosphoprotein 1; plus strand). Cytogenetic location: 13q34.
Variant type: single nucleotide variant.
Coding change: c.-54A>G on transcript NM_032436.4 (MANE Select); 54 bases upstream of the start codon, A replaced by G.
Molecular consequence: 5 prime UTR variant. On other transcripts: splice acceptor variant (1).
Genome position (GRCh38, 1-based): chr13:114,323,789, A>G. VCF-style: chr13-114323789-A-G. GRCh37 (hg19) VCF-style: chr13-115089264-A-G.
Other names: c.-54A>G (NM_001164145.3); c.-52-2A>G (NM_001164144.3).
Identifiers: ClinVar variation 4882915 (VCV004882915.2).
Genomic context (GRCh38, chr13:114,323,789, plus strand): 5'-GACAGCATTTTATTCAGAATTACAGTTCATGAAAATAATTTATTCCTACTTTATTGCAGC[A>G]GTATTGAAAGTTTTTAAAGAATATAACCGTGTGTGTTGGTAACAGACAGAAGAATGGAAG-3'

ClinVar aggregate classification (germline): Uncertain significance (1 of 4 stars; one submission).

Submission:

Dasa
Classification: Uncertain significance. Last evaluated: 2026-03-26. Review status: criteria provided, single submitter. Criteria: DASA Assertion Criteria. Collection method: clinical testing. Allele origin: germline.
Comment: NM_001164144.3(CHAMP1):c.-52-2A>G is an intronic variant. This variant is rare in population databases. The currently available literature and clinical evidence are not sufficient to establish a definitive association between this variant and the reported condition. Therefore, this variant is classified as a variant of uncertain significance.